The following is an entry in ClinVar:

NM_000026.4(ADSL):c.1011-3T>C

Gene: ADSL (adenylosuccinate lyase; plus strand). Cytogenetic location: 22q13.1.
Variant type: single nucleotide variant.
Coding change: c.1011-3T>C on transcript NM_000026.4 (MANE Select); 3 bases into the intron before coding-DNA position 1011, T replaced by C.
Molecular consequence: intron variant.
Genome position (GRCh38, 1-based): chr22:40,362,978, T>C. VCF-style: chr22-40362978-T-C. GRCh37 (hg19) VCF-style: chr22-40758982-T-C.
Other names: c.1011-3T>C (NM_001363840.3, NM_001123378.3); c.819-3T>C (NM_001317923.2).
Identifiers: ClinVar variation 664003 (VCV000664003.6), dbSNP rs1376448837, ClinGen allele CA639413772.
Genomic context (GRCh38, chr22:40,362,978, plus strand): 5'-ACACACTGCATTTCACTGAAATTATTTGTTTAAAGACATACTGAATGGCTATTTGTTTTC[T>C]AGACGGATCTGTTTGGCCGAGGCATTTCTTACCGCAGATACTATATTGAATACGCTGCAG-3'

ClinVar aggregate classification (germline): Uncertain significance (1 of 4 stars; one submission).

Conditions:
Adenylosuccinate lyase deficiency (ADSLD). Also called: ADSL DEFICIENCY. Identifiers: Orphanet 46, MedGen C0268126, MONDO:0007068, OMIM 103050.

Allele frequency attached by ClinVar (database versions not stated): gnomAD exomes below 0.00001 and 0.00001.
gnomAD v4.1: 2 of 1,612,686 alleles (0.00012%); highest among the groups gnomAD compares: Admixed American, 0.0033%; no homozygotes.

Submission:

Labcorp Genetics (formerly Invitae), Labcorp
Classification: Uncertain significance for Adenylosuccinate lyase deficiency. Last evaluated: 2022-07-19. Review status: criteria provided, single submitter. Criteria: Invitae Variant Classification Sherloc (09022015). Collection method: clinical testing. Allele origin: germline.
Comment: This sequence change falls in intron 9 of the ADSL gene. It does not directly change the encoded amino acid sequence of the ADSL protein. It affects a nucleotide within the consensus splice site. This variant is present in population databases (no rsID available, gnomAD 0.006%). This variant has not been reported in the literature in individuals affected with ADSL-related conditions. ClinVar contains an entry for this variant (Variation ID: 664003). Variants that disrupt the consensus splice site are a relatively common cause of aberrant splicing (PMID: 17576681, 9536098). Algorithms developed to predict the effect of sequence changes on RNA splicing suggest that this variant is not likely to affect RNA splicing. In summary, the available evidence is currently insufficient to determine the role of this variant in disease. Therefore, it has been classified as a Variant of Uncertain Significance.

Literature cited by the submitters: PubMed 17576681; PubMed 9536098.